The following is an entry in ClinVar:

NM_000018.4(ACADVL):c.736A>G (p.Ser246Gly)

Gene: ACADVL (acyl-CoA dehydrogenase very long chain; plus strand). Cytogenetic location: 17p13.1.
Variant type: single nucleotide variant.
Coding change: c.736A>G on transcript NM_000018.4 (MANE Select); coding-DNA position 736, A replaced by G.
Protein change: p.Ser246Gly; replaces serine 246 with glycine.
Molecular consequence: missense variant.
Genome position (GRCh38, 1-based): chr17:7,222,065, A>G. VCF-style: chr17-7222065-A-G. GRCh37 (hg19) VCF-style: chr17-7125384-A-G.
Other names: c.670A>G, p.Ser224Gly (NM_001033859.3); c.805A>G, p.Ser269Gly (NM_001270447.2); c.508A>G, p.Ser170Gly (NM_001270448.2); short protein forms S246G, S170G, S269G, S224G.
Identifiers: ClinVar variation 474902 (VCV000474902.7), dbSNP rs1555528320, ClinGen allele CA397723567.

ClinVar aggregate classification (germline): Uncertain significance. Review status: criteria provided, multiple submitters, no conflicts (2 of 4 stars). 2 submissions from 2 submitters: Uncertain significance (2). Last evaluated 2021-08-13.

Conditions:
Very long chain acyl-CoA dehydrogenase deficiency (ACADVLD). Also called: VLCAD Deficiency; Very Long-Chain Acyl-Coenzyme A Dehydrogenase Deficiency. Identifiers: Orphanet 26793, MedGen C3887523, MONDO:0008723, OMIM 201475.

Submissions (2):

Labcorp Genetics (formerly Invitae), Labcorp
Classification: Uncertain significance for Very long chain acyl-CoA dehydrogenase deficiency. Last evaluated: 2021-08-13. Review status: criteria provided, single submitter. Criteria: Invitae Variant Classification Sherloc (09022015). Collection method: clinical testing. Allele origin: germline.

Women's Health and Genetics/Laboratory Corporation of America, LabCorp
Classification: Uncertain significance. Last evaluated: 2019-03-04. Review status: criteria provided, single submitter. Criteria: LabCorp Variant Classification Summary - May 2015. Collection method: clinical testing. Allele origin: germline.
Comment: Variant summary: ACADVL c.736A>G (p.Ser246Gly) results in a non-conservative amino acid change located in the central domain (IPR006091) of the encoded protein sequence. Three of five in-silico tools predict a benign effect of the variant on protein function. The variant was absent in 246268 control chromosomes (gnomAD). The available data on variant occurrences in the general population are insufficient to allow any conclusion about variant significance. To our knowledge, no occurrence of c.736A>G in individuals affected with Very Long Chain Acyl-CoA Dehydrogenase Deficiency and no experimental evidence demonstrating its impact on protein function have been reported. One clinical diagnostic laboratory has submitted clinical-significance assessments for this variant to ClinVar after 2014 without evidence for independent evaluation, and classified the variant as uncertain significance. Based on the evidence outlined above, the variant was classified as uncertain significance.